The following is an entry in ClinVar:

NM_020937.4(FANCM):c.1705C>G (p.Arg569Gly)

Gene: FANCM (FA complementation group M; plus strand). Cytogenetic location: 14q21.2.
Variant type: single nucleotide variant.
Coding change: c.1705C>G on transcript NM_020937.4 (MANE Select); coding-DNA position 1705, C replaced by G.
Protein change: p.Arg569Gly; replaces arginine 569 with glycine.
Molecular consequence: missense variant.
Genome position (GRCh38, 1-based): chr14:45,164,482, C>G. VCF-style: chr14-45164482-C-G. GRCh37 (hg19) VCF-style: chr14-45633685-C-G.
Other names: c.1627C>G, p.Arg543Gly (NM_001308133.2); c.1705C>G, p.Arg569Gly (NM_001308134.2); short protein forms R543G, R569G.
Identifiers: ClinVar variation 4841759 (VCV004841759.1).
Genomic context (GRCh38, chr14:45,164,482, plus strand): 5'-GGTTTGGATATAGGAGAAGTTGATCTTATAATATGTTTTGATTCCCAGAAGAGCCCAATT[C>G]GTCTTGTACAACGAATGGGTAGAACTGGCCGTAAACGTCAAGGCAGGATAGTTATTATCC-3'
Protein context (NP_065988.1, residues 559-579): ICFDSQKSPI[Arg569Gly]LVQRMGRTGR

ClinVar aggregate classification (germline): Uncertain significance (1 of 4 stars; one submission).

Conditions:
Inborn genetic diseases. Identifiers: MedGen C0950123, MeSH D030342.

Submission:

Ambry Genetics
Classification: Uncertain significance for Inborn genetic diseases. Last evaluated: 2026-01-03. Review status: criteria provided, single submitter. Criteria: Ambry Variant Classification Scheme 2023. Collection method: clinical testing. Allele origin: germline.
Comment: The p.R569G variant (also known as c.1705C>G), located in coding exon 10 of the FANCM gene, results from a C to G substitution at nucleotide position 1705. The arginine at codon 569 is replaced by glycine, an amino acid with dissimilar properties. This amino acid position is conserved. In addition, this alteration is predicted to be deleterious by in silico analysis. Based on the available evidence, the clinical significance of this variant remains unclear.